The following is an entry in ClinVar:

NM_000179.3(MSH6):c.1901T>G (p.Leu634Trp)

Gene: MSH6 (mutS homolog 6; plus strand). Cytogenetic location: 2p16.3.
Variant type: single nucleotide variant.
Coding change: c.1901T>G on transcript NM_000179.3 (MANE Select); coding-DNA position 1901, T replaced by G.
Protein change: p.Leu634Trp; replaces leucine 634 with tryptophan.
Molecular consequence: missense variant. On other transcripts: non-coding transcript variant (5), intron variant (2).
Genome position (GRCh38, 1-based): chr2:47,799,884, T>G. VCF-style: chr2-47799884-T-G. GRCh37 (hg19) VCF-style: chr2-48027023-T-G.
Other names: c.1511T>G, p.Leu504Trp (NM_001281492.2); c.995T>G, p.Leu332Trp (NM_001281493.2, NM_001281494.2, NM_001406811.1 and 6 more transcripts); c.1997T>G, p.Leu666Trp (NM_001406795.1, NM_001406802.1); c.1901T>G, p.Leu634Trp (NM_001406796.1, NM_001406798.1, NM_001406800.1 and 3 more transcripts); c.1604T>G, p.Leu535Trp (NM_001406797.1, NM_001406801.1, NM_001406805.1 and 10 more transcripts); c.1376T>G, p.Leu459Trp (NM_001406799.1, NM_001406806.1, NM_001406807.1); c.1823T>G, p.Leu608Trp (NM_001406804.1); c.1907T>G, p.Leu636Trp (NM_001406813.1); and 3 more; short protein forms L459W, L504W, L535W, L608W, L636W, L332W, L578W, L666W.
Identifiers: ClinVar variation 2624907 (VCV002624907.2), dbSNP rs63751097, ClinGen allele CA346750110.

ClinVar aggregate classification (germline): Uncertain significance (1 of 4 stars; one submission).

Conditions:
Hereditary cancer-predisposing syndrome. Also called: Tumor predisposition; Hereditary Cancer Syndrome; Hereditary neoplastic syndrome; Neoplastic Syndromes, Hereditary. Identifiers: Orphanet 140162, MedGen C0027672, MeSH D009386, MONDO:0015356.

Submission:

Ambry Genetics
Classification: Uncertain significance for Hereditary cancer-predisposing syndrome. Last evaluated: 2023-08-13. Review status: criteria provided, single submitter. Criteria: Ambry Variant Classification Scheme 2023. Collection method: clinical testing. Allele origin: germline.
Comment: The p.L634W variant (also known as c.1901T>G), located in coding exon 4 of the MSH6 gene, results from a T to G substitution at nucleotide position 1901. The leucine at codon 634 is replaced by tryptophan, an amino acid with similar properties. This amino acid position is conserved. In addition, this alteration is predicted to be deleterious by in silico analysis. Since supporting evidence is limited at this time, the clinical significance of this alteration remains unclear.